The following is an entry in ClinVar:

NM_080425.4(GNAS):c.1429C>T (p.Pro477Ser)

Gene: GNAS (GNAS complex locus; plus strand). Cytogenetic location: 20q13.32.
Variant type: single nucleotide variant.
Coding change: c.1429C>T on transcript NM_080425.4 (MANE Plus Clinical); coding-DNA position 1429, C replaced by T.
Protein change: p.Pro477Ser; replaces proline 477 with serine.
Molecular consequence: missense variant. On other transcripts: synonymous variant (2), intron variant (3).
Genome position (GRCh38, 1-based): chr20:58,854,694, C>T. VCF-style: chr20-58854694-C-T. GRCh37 (hg19) VCF-style: chr20-57429749-C-T.
Other names: c.1242C>T, p.Pro414= (NM_001077490.3, NM_001309883.1); c.1429C>T, p.Pro477Ser (NM_001410913.1); c.*42+13808C>T (NM_016592.5); c.43+13808C>T (NM_001410912.1); c.-39+12819C>T (NM_001309861.2); short protein forms P477S.
Identifiers: ClinVar variation 4982938 (VCV004982938.1).

ClinVar aggregate classification (germline): Uncertain significance (1 of 4 stars; one submission).

Conditions:
GNAS-related disorder. Identifiers: MedGen CN380105.

gnomAD v4.1: 33 of 1,529,342 alleles (0.0022%); highest among the groups gnomAD compares: South Asian, 0.037%; no homozygotes.

Submission:

PreventionGenetics, part of Exact Sciences
Classification: Uncertain significance for GNAS-related condition. Last evaluated: 2026-06-30. Review status: criteria provided, single submitter. Criteria: ACMG Guidelines, 2015. Collection method: clinical testing. Allele origin: germline.
Comment: The GNAS c.1429C>T variant is predicted to result in the amino acid substitution p.Pro477Ser. In the more commonly reported transcript (NM_000516.5) this variant is pre-coding (c.-37033C>T). To our knowledge, this variant has not been reported in the literature. This variant is reported in 0.041% of alleles in individuals of South Asian descent in gnomAD. At this time, the clinical significance of this variant is uncertain due to the absence of conclusive functional and genetic evidence.